The following is an entry in ClinVar:

NM_001394062.1(MACF1):c.3994C>G (p.Gln1332Glu)

Gene: MACF1 (microtubule actin crosslinking factor 1; plus strand). Cytogenetic location: 1p34.3.
Variant type: single nucleotide variant.
Coding change: c.3994C>G on transcript NM_001394062.1 (MANE Select); coding-DNA position 3994, C replaced by G.
Protein change: p.Gln1332Glu; replaces glutamine 1332 with glutamic acid.
Molecular consequence: missense variant.
Genome position (GRCh38, 1-based): chr1:39,319,712, C>G. VCF-style: chr1-39319712-C-G. GRCh37 (hg19) VCF-style: chr1-39785384-C-G.
Other names: c.4009C>G, p.Gln1337Glu (NM_012090.5); short protein forms Q1332E, Q1337E.
Identifiers: ClinVar variation 3121883 (VCV003121883.3), dbSNP rs146466275, ClinGen allele CA780152.

ClinVar aggregate classification (germline): Conflicting classifications of pathogenicity. Review status: criteria provided, conflicting classifications (1 of 4 stars). 3 submissions from 3 submitters: Uncertain significance (1); Likely benign (2). Last evaluated 2025-06-11.

Conditions:
Inborn genetic diseases. Identifiers: MedGen C0950123, MeSH D030342.
MACF1-related disorder. Also called: MACF1-related condition.

Allele frequency attached by ClinVar (database versions not stated): gnomAD 0.00010; TOPMed 0.00010; ExAC 0.00012; ESP Exome Variant Server 0.00015; gnomAD exomes 0.00017.
gnomAD v4.1: 265 of 1,613,420 alleles (0.016%); highest among the groups gnomAD compares: Non-Finnish European, 0.021%; no homozygotes.

Submissions (3):

Labcorp Genetics (formerly Invitae), Labcorp
Classification: Uncertain significance. Last evaluated: 2025-06-11. Review status: criteria provided, single submitter. Criteria: Invitae Variant Classification Sherloc (09022015). Collection method: clinical testing. Allele origin: germline.
Comment: This sequence change replaces glutamine, which is neutral and polar, with glutamic acid, which is acidic and polar, at codon 1337 of the MACF1 protein (p.Gln1337Glu). This variant is present in population databases (rs146466275, gnomAD 0.02%). This variant has not been reported in the literature in individuals affected with MACF1-related conditions. ClinVar contains an entry for this variant (Variation ID: 3121883). An algorithm developed to predict the effect of missense changes on protein structure and function (PolyPhen-2) suggests that this variant is likely to be tolerated. In summary, the available evidence is currently insufficient to determine the role of this variant in disease. Therefore, it has been classified as a Variant of Uncertain Significance.

PreventionGenetics, part of Exact Sciences
Classification: Likely benign for MACF1-related condition. Last evaluated: 2025-05-28. Review status: criteria provided, single submitter. Criteria: ACMG Guidelines, 2015. Collection method: clinical testing. Allele origin: germline.
Comment: This variant is classified as likely benign based on ACMG/AMP sequence variant interpretation guidelines (Richards et al. 2015 PMID: 25741868, with internal and published modifications).

Ambry Genetics
Classification: Likely benign for Inborn genetic diseases. Last evaluated: 2024-02-13. Review status: criteria provided, single submitter. Criteria: Ambry Variant Classification Scheme 2023. Collection method: clinical testing. Allele origin: germline.